The following is an entry in ClinVar:

ClinVar aggregate classification (germline): Uncertain significance (1 of 4 stars; one submission).

gnomAD v4.1: 2 of 1,611,444 alleles (0.00012%); highest among the groups gnomAD compares: Non-Finnish European, 0.000085%; no homozygotes.

Submission:

Labcorp Genetics (formerly Invitae), Labcorp
Classification: Uncertain significance. Last evaluated: 2022-04-13. Review status: criteria provided, single submitter. Criteria: Invitae Variant Classification Sherloc (09022015). Collection method: clinical testing. Allele origin: germline.
Comment: In summary, the available evidence is currently insufficient to determine the role of this variant in disease. Therefore, it has been classified as a Variant of Uncertain Significance. Algorithms developed to predict the effect of sequence changes on RNA splicing suggest that this variant may disrupt the consensus splice site. Algorithms developed to predict the effect of missense changes on protein structure and function are either unavailable or do not agree on the potential impact of this missense change (SIFT: "Tolerated"; PolyPhen-2: "Possibly Damaging"; Align-GVGD: "Class C0"). ClinVar contains an entry for this variant (Variation ID: 1036834). This variant has not been reported in the literature in individuals affected with IMPG1-related conditions. This variant is not present in population databases (gnomAD no frequency). This sequence change replaces aspartic acid, which is acidic and polar, with asparagine, which is neutral and polar, at codon 405 of the IMPG1 protein (p.Asp405Asn).

NM_001563.4(IMPG1):c.1213G>A (p.Asp405Asn)

Gene: IMPG1 (interphotoreceptor matrix proteoglycan 1; minus strand). Cytogenetic location: 6q14.1.
Variant type: single nucleotide variant.
Coding change: c.1213G>A on transcript NM_001563.4 (MANE Select); coding-DNA position 1213, G replaced by A.
Protein change: p.Asp405Asn; replaces aspartic acid 405 with asparagine.
Molecular consequence: missense variant.
Genome position (GRCh38, 1-based): chr6:76,002,996, C>T on the plus strand (G>A on the coding strand, the complement: IMPG1 is on the minus strand). VCF-style: chr6-76002996-C-T. GRCh37 (hg19) VCF-style: chr6-76712713-C-T.
Other names: c.979G>A, p.Asp327Asn (NM_001282368.2); short protein forms D327N, D405N.
Identifiers: ClinVar variation 1036834 (VCV001036834.10), dbSNP rs1483353482, ClinGen allele CA364770486.
Genomic context (GRCh38, chr6:76,002,996, plus strand): 5'-CTCCGTCCACTGTCTCAAGCTGGGGTTCAACAGGAGGAAGTTCTGGACTCAAAGTAGCAT[C>T]CTGAAGAATGAATTTTGCAAGACAGATGTTGAGAAAGGATGTTTGTATGTATATGAGAAG-3'
Protein context (NP_001554.2, residues 395-415): LPTSFAVITE[Asp405Asn]ATLSPELPPV